The following is an entry in ClinVar:

NM_001386094.1(AGBL1):c.970-8C>T

Gene: AGBL1 (AGBL carboxypeptidase 1; plus strand). Cytogenetic location: 15q25.3.
Variant type: single nucleotide variant.
Coding change: c.970-8C>T on transcript NM_001386094.1 (MANE Select); 8 bases into the intron before coding-DNA position 970, C replaced by T.
Molecular consequence: intron variant.
Genome position (GRCh38, 1-based): chr15:86,262,770, C>T. VCF-style: chr15-86262770-C-T. GRCh37 (hg19) VCF-style: chr15-86806001-C-T.
Other names: c.970-8C>T (NM_152336.4).
Identifiers: ClinVar variation 4980397 (VCV004980397.1).
Genomic context (GRCh38, chr15:86,262,770, plus strand): 5'-ATCATGTCTTGATGCTTCTCAGGGTGGATTTCCTGACTGTAATCTCTTCTATGACTATTC[C>T]ATTTTAGGATGATGACTTGGAAACAGACGTGAACAAGCTGAGTTCCAAACCTGGTCTTGA-3'

ClinVar aggregate classification (germline): Benign (1 of 4 stars; one submission).

Conditions:
AGBL1-related disorder. Also called: AGBL1-related condition.

gnomAD v4.1: 2,010 of 1,572,724 alleles (0.13%); highest among the groups gnomAD compares: South Asian, 0.93%; 16 homozygotes.

Submission:

PreventionGenetics, part of Exact Sciences
Classification: Benign for AGBL1-related condition. Last evaluated: 2026-07-16. Review status: criteria provided, single submitter. Criteria: ACMG Guidelines, 2015. Collection method: clinical testing. Allele origin: germline.
Comment: This variant is classified as benign based on ACMG/AMP sequence variant interpretation guidelines (Richards et al. 2015 PMID: 25741868, with internal and published modifications).